The following is an entry in ClinVar:

ClinVar aggregate classification (germline): Uncertain significance (1 of 4 stars; one submission).

Conditions:
Lissencephaly 9 with complex brainstem malformation. Identifiers: Orphanet 572013, MedGen C5193029, MONDO:0032677, OMIM 618325.

Allele frequency attached by ClinVar (database versions not stated): TOPMed below 0.00001.

Submission:

Baylor Genetics
Classification: Uncertain significance for Lissencephaly 9 with complex brainstem malformation. Last evaluated: 2020-08-19. Review status: criteria provided, single submitter. Criteria: ACMG Guidelines, 2015. Collection method: clinical testing. Allele origin: unknown. Affected: yes.
Comment: This variant was determined to be of uncertain significance according to ACMG Guidelines, 2015 [PMID:25741868].

NM_001394062.1(MACF1):c.2355+5G>A

Gene: MACF1 (microtubule actin crosslinking factor 1; plus strand). Cytogenetic location: 1p34.3.
Variant type: single nucleotide variant.
Coding change: c.2355+5G>A on transcript NM_001394062.1 (MANE Select); 5 bases into the intron after coding-DNA position 2355, G replaced by A.
Molecular consequence: intron variant.
Genome position (GRCh38, 1-based): chr1:39,295,887, G>A. VCF-style: chr1-39295887-G-A. GRCh37 (hg19) VCF-style: chr1-39761559-G-A.
Other names: c.2370+5G>A (NM_012090.5).
Identifiers: ClinVar variation 1030224 (VCV001030224.1), dbSNP rs1645888490, ClinGen allele CA1163920127.